The following is an entry in ClinVar:

ClinVar aggregate classification (germline): Benign/Likely benign. Review status: criteria provided, multiple submitters, no conflicts (2 of 4 stars). 2 submissions from 2 submitters: Benign (1); Likely benign (1). Last evaluated 2024-12-31.

Conditions:
Hereditary cancer-predisposing syndrome. Also called: Hereditary Cancer Syndrome; Hereditary neoplastic syndrome; Tumor predisposition; Neoplastic Syndromes, Hereditary. Identifiers: Orphanet 140162, MedGen C0027672, MeSH D009386, MONDO:0015356.
Lynch syndrome 5 (LYNCH5). Also called: Hereditary non-polyposis colorectal cancer, type 5; Colorectal cancer, hereditary nonpolyposis, type 5. Identifiers: Orphanet 144, MedGen C1833477, MONDO:0013710, OMIM 614350. Disease mechanism: loss of function.

Submissions (2):

Myriad Genetics, Inc.
Classification: Benign for Lynch syndrome 5. Last evaluated: 2024-12-31. Review status: criteria provided, single submitter. Criteria: Myriad Autosomal Dominant, Autosomal Recessive and X-Linked Classification Criteria (2023). Collection method: clinical testing. Allele origin: unknown.
Comment: This variant is considered benign. This variant is a silent/synonymous amino acid change and it is not expected to impact splicing.

Ambry Genetics
Classification: Likely benign for Hereditary cancer-predisposing syndrome. Last evaluated: 2021-01-16. Review status: criteria provided, single submitter. Criteria: Ambry Variant Classification Scheme 2023. Collection method: clinical testing. Allele origin: germline.

NM_000179.3(MSH6):c.2430G>A (p.Glu810=)

Gene: MSH6 (mutS homolog 6; plus strand). Cytogenetic location: 2p16.3.
Variant type: single nucleotide variant.
Coding change: c.2430G>A on transcript NM_000179.3 (MANE Select); coding-DNA position 2430, G replaced by A.
Protein change: p.Glu810=; no amino-acid change (glutamic acid 810 retained).
Molecular consequence: synonymous variant. On other transcripts: non-coding transcript variant (5), intron variant (3).
Genome position (GRCh38, 1-based): chr2:47,800,413, G>A. VCF-style: chr2-47800413-G-A. GRCh37 (hg19) VCF-style: chr2-48027552-G-A.
Other names: c.2040G>A, p.Glu680= (NM_001281492.2); c.1524G>A, p.Glu508= (NM_001281493.2, NM_001281494.2, NM_001406811.1 and 6 more transcripts); c.2526G>A, p.Glu842= (NM_001406795.1, NM_001406802.1); c.2430G>A, p.Glu810= (NM_001406796.1, NM_001406798.1, NM_001406800.1 and 2 more transcripts); c.2133G>A, p.Glu711= (NM_001406797.1, NM_001406801.1, NM_001406805.1 and 10 more transcripts); c.1905G>A, p.Glu635= (NM_001406799.1, NM_001406806.1, NM_001406807.1); c.2352G>A, p.Glu784= (NM_001406804.1); c.2436G>A, p.Glu812= (NM_001406813.1); and 4 more.
Identifiers: ClinVar variation 1791168 (VCV001791168.3), dbSNP rs2104406442, ClinGen allele CA426121863.